The following is an entry in ClinVar:

NM_153240.5(NPHP3):c.2170C>T (p.Arg724Cys)

Genes: NPHP3-ACAD11 (NPHP3-ACAD11 readthrough (NMD candidate); minus strand), NPHP3 (nephrocystin 3; minus strand). Cytogenetic location: 3q22.1.
Variant type: single nucleotide variant.
Coding change: c.2170C>T on transcript NM_153240.5 (MANE Select); coding-DNA position 2170, C replaced by T.
Protein change: p.Arg724Cys; replaces arginine 724 with cysteine.
Molecular consequence: missense variant. On other transcripts: non-coding transcript variant (1).
Genome position (GRCh38, 1-based): chr3:132,696,732, G>A on the plus strand (C>T on the coding strand, the complement: NPHP3 is on the minus strand). VCF-style: chr3-132696732-G-A. GRCh37 (hg19) VCF-style: chr3-132415576-G-A.
Other names: short protein forms R724C.
Identifiers: ClinVar variation 1417499 (VCV001417499.7), dbSNP rs542131508, ClinGen allele CA83591008.

ClinVar aggregate classification (germline): Uncertain significance. Review status: criteria provided, multiple submitters, no conflicts (2 of 4 stars). 3 submissions from 3 submitters: Uncertain significance (2). 1 of the submissions does not count toward it. Last evaluated 2022-09-07.

Conditions:
Nephronophthisis. Also called: Juvenile Nephronophthisis. Identifiers: Orphanet 655, MedGen C0687120, MONDO:0019005, HP:0000090.
Retinal dystrophy. Also called: Inherited retinal dystrophy. Identifiers: Orphanet 71862, MedGen C0854723, MeSH D058499, MONDO:0019118, HP:0000556.
Renal-hepatic-pancreatic dysplasia 1 (RHPD1). Identifiers: MedGen C3715199, MONDO:0008833, OMIM 208540.
Nephronophthisis 3 (NPHP3). Also called: Adolescent nephronophthisis. Identifiers: Orphanet 655, MedGen C1858392, MONDO:0011456, OMIM 604387.
NPHP3-related Meckel-like syndrome. Also called: GOLDSTON SYNDROME; Meckel syndrome type 7. Identifiers: Orphanet 3032, MedGen C2673885, MONDO:0009966, OMIM 267010.

Allele frequency attached by ClinVar (database versions not stated): gnomAD exomes 0.00003 and 0.00004; TOPMed 0.00003; 1000 Genomes Project 30x 0.00016; 1000 Genomes Project 0.00020.
gnomAD v4.1: 55 of 1,613,414 alleles (0.0034%); highest among the groups gnomAD compares: Admixed American, 0.0083%; no homozygotes.

Submissions (3):

Labcorp Genetics (formerly Invitae), Labcorp
Classification: Uncertain significance for Nephronophthisis. Last evaluated: 2022-09-07. Review status: criteria provided, single submitter. Criteria: Invitae Variant Classification Sherloc (09022015). Collection method: clinical testing. Allele origin: germline.
Comment: In summary, the available evidence is currently insufficient to determine the role of this variant in disease. Therefore, it has been classified as a Variant of Uncertain Significance. Algorithms developed to predict the effect of missense changes on protein structure and function output the following: SIFT: "Tolerated"; PolyPhen-2: "Benign"; Align-GVGD: "Class C0". The cysteine amino acid residue is found in multiple mammalian species, which suggests that this missense change does not adversely affect protein function. ClinVar contains an entry for this variant (Variation ID: 1417499). This variant has not been reported in the literature in individuals affected with NPHP3-related conditions. This variant is present in population databases (rs542131508, gnomAD 0.01%). This sequence change replaces arginine, which is basic and polar, with cysteine, which is neutral and slightly polar, at codon 724 of the NPHP3 protein (p.Arg724Cys).

Fulgent Genetics
Classification: Uncertain significance for Renal-hepatic-pancreatic dysplasia 1; NPHP3-related Meckel-like syndrome; Nephronophthisis 3. Last evaluated: 2021-12-16. Review status: criteria provided, single submitter. Criteria: ACMG Guidelines, 2015. Collection method: clinical testing. Allele origin: unknown.

Institute of Human Genetics, Univ. Regensburg, Univ. Regensburg
Classification: Uncertain significance for Retinal dystrophy. Last evaluated: 2022-01-01. Review status: no assertion criteria provided. Criteria: ACMG Guidelines, 2015. Collection method: clinical testing. Allele origin: germline. Affected: yes. Not counted in ClinVar's aggregate classification.